The following is an entry in ClinVar:

ClinVar aggregate classification (germline): Pathogenic (1 of 4 stars; one submission).

gnomAD v4.1: 1 of 1,614,034 alleles (0.000062%); highest among the groups gnomAD compares: African/African-American, 0.0013%; no homozygotes.

Submission:

Labcorp Genetics (formerly Invitae), Labcorp
Classification: Pathogenic. Last evaluated: 2024-05-09. Review status: criteria provided, single submitter. Criteria: Invitae Variant Classification Sherloc (09022015). Collection method: clinical testing. Allele origin: germline.
Comment: This sequence change creates a premature translational stop signal (p.Tyr325*) in the C8A gene. It is expected to result in an absent or disrupted protein product. Loss-of-function variants in C8A are known to be pathogenic (PMID: 9759902). This variant is not present in population databases (gnomAD no frequency). This variant has not been reported in the literature in individuals affected with C8A-related conditions. For these reasons, this variant has been classified as Pathogenic.

Literature cited by the submitters: PubMed 9759902.

NM_000562.3(C8A):c.975C>A (p.Tyr325Ter)

Gene: C8A (complement C8 alpha chain; plus strand). Cytogenetic location: 1p32.2.
Variant type: single nucleotide variant.
Coding change: c.975C>A on transcript NM_000562.3 (MANE Select); coding-DNA position 975, C replaced by A.
Protein change: p.Tyr325Ter; replaces tyrosine 325 with a stop codon.
Molecular consequence: nonsense.
Genome position (GRCh38, 1-based): chr1:56,886,046, C>A. VCF-style: chr1-56886046-C-A. GRCh37 (hg19) VCF-style: chr1-57351719-C-A.
Other names: short protein forms Y325*.
Identifiers: ClinVar variation 3646846 (VCV003646846.2).
Genomic context (GRCh38, chr1:56,886,046, plus strand): 5'-GGATGACATTATGCTGGATGAAGGAATGCTGCAGTCATTAATGGAGCTTCCAGATCAGTA[C>A]AATTATGGCATGTATGCCAAGTTCATCAATGACTATGGCACCCATTACATCACATCTGGA-3'